The following is an entry in ClinVar:

ClinVar aggregate classification (germline): Uncertain significance. Review status: criteria provided, multiple submitters, no conflicts (2 of 4 stars). 2 submissions from 2 submitters: Uncertain significance (2). Last evaluated 2023-05-09.

Conditions:
Norman-Roberts syndrome (LIS2). Also called: Lissencephaly 2 (Norman-Roberts type). Identifiers: Orphanet 89844, MedGen C0796089, MONDO:0009760, OMIM 257320.
Familial temporal lobe epilepsy 7. Identifiers: Orphanet 101046, MedGen C4225327, MONDO:0014639, OMIM 616436.

Allele frequency attached by ClinVar (database versions not stated): gnomAD exomes below 0.00001 and 0.00001; TOPMed 0.00002.
gnomAD v4.1: 8 of 1,613,868 alleles (0.0005%); highest among the groups gnomAD compares: East Asian, 0.0045%; no homozygotes.

Submissions (2):

Labcorp Genetics (formerly Invitae), Labcorp
Classification: Uncertain significance for Familial temporal lobe epilepsy 7; Norman-Roberts syndrome. Last evaluated: 2023-05-09. Review status: criteria provided, single submitter. Criteria: Invitae Variant Classification Sherloc (09022015). Collection method: clinical testing. Allele origin: germline.
Comment: This sequence change replaces arginine, which is basic and polar, with glutamine, which is neutral and polar, at codon 754 of the RELN protein (p.Arg754Gln). This variant is not present in population databases (gnomAD no frequency). This variant has not been reported in the literature in individuals affected with RELN-related conditions. ClinVar contains an entry for this variant (Variation ID: 909382). Advanced modeling of protein sequence and biophysical properties (such as structural, functional, and spatial information, amino acid conservation, physicochemical variation, residue mobility, and thermodynamic stability) performed at Invitae indicates that this missense variant is not expected to disrupt RELN protein function. In summary, the available evidence is currently insufficient to determine the role of this variant in disease. Therefore, it has been classified as a Variant of Uncertain Significance.

Illumina Laboratory Services, Illumina
Classification: Uncertain significance for Norman-Roberts syndrome. Last evaluated: 2018-01-12. Review status: criteria provided, single submitter. Criteria: ICSL Variant Classification Criteria 13 December 2019. Collection method: clinical testing. Allele origin: germline.

NM_005045.4(RELN):c.2261G>A (p.Arg754Gln)

Gene: RELN (reelin; minus strand). Cytogenetic location: 7q22.1.
Variant type: single nucleotide variant.
Coding change: c.2261G>A on transcript NM_005045.4 (MANE Select); coding-DNA position 2261, G replaced by A.
Protein change: p.Arg754Gln; replaces arginine 754 with glutamine.
Molecular consequence: missense variant.
Genome position (GRCh38, 1-based): chr7:103,636,277, C>T on the plus strand (G>A on the coding strand, the complement: RELN is on the minus strand). VCF-style: chr7-103636277-C-T. GRCh37 (hg19) VCF-style: chr7-103276724-C-T.
Other names: c.2261G>A, p.Arg754Gln (NM_173054.3); short protein forms R754Q.
Identifiers: ClinVar variation 909382 (VCV000909382.9), dbSNP rs1294568040, ClinGen allele CA368761588.